The following is an entry in ClinVar:

NM_138459.5(NUS1):c.218_242del (p.Arg73fs)

Gene: NUS1 (NUS1 dehydrodolichyl diphosphate synthase subunit; plus strand). Cytogenetic location: 6q22.1.
Variant type: Deletion.
Coding change: c.218_242del on transcript NM_138459.5 (MANE Select); coding-DNA positions 218 to 242, 25 bases deleted (GCGGGGGGTCGTGCCTGGCAGCCGC).
Protein change: p.Arg73fs; shifts the reading frame from arginine 73.
Molecular consequence: frameshift variant.
Genome position (GRCh38, 1-based): chr6:117,675,888-117,675,912, GCGGGGGGTCGTGCCTGGCAGCCGC deleted; deleting any 25 consecutive bases within chr6:117,675,884-117,675,912 gives the same sequence; the c. name uses the placement nearest the transcript's 3' end. VCF-style (leftmost placement, unchanged base first): chr6-117675883-CCCGCGCGGGGGGTCGTGCCTGGCAG-C. GRCh37 (hg19) VCF-style: chr6-117997046-CCCGCGCGGGGGGTCGTGCCTGGCAG-C.
Other names: c.218_242del25 (NM_138459.3); short protein forms R73fs.
Identifiers: ClinVar variation 817999 (VCV000817999.2), dbSNP rs1582461235, ClinGen allele CA915943596.

ClinVar aggregate classification (germline): Pathogenic (1 of 4 stars; one submission).

Submission:

GeneDx
Classification: Pathogenic. Last evaluated: 2020-06-22. Review status: criteria provided, single submitter. Criteria: GeneDx Variant Classification Process June 2021. Collection method: clinical testing. Allele origin: germline. Affected: yes.
Comment: Frameshift variant predicted to result in protein truncation or nonsense mediated decay in a gene for which loss-of-function is a known mechanism of disease; Not observed in large population cohorts (Lek et al., 2016); Has not been previously published as pathogenic or benign to our knowledge